The following is an entry in ClinVar:

ClinVar aggregate classification (germline): Uncertain significance (1 of 4 stars; one submission).

Submission:

Labcorp Genetics (formerly Invitae), Labcorp
Classification: Uncertain significance. Last evaluated: 2021-07-16. Review status: criteria provided, single submitter. Criteria: Invitae Variant Classification Sherloc (09022015). Collection method: clinical testing. Allele origin: germline.
Comment: In summary, the available evidence is currently insufficient to determine the role of this variant in disease. Therefore, it has been classified as a Variant of Uncertain Significance. Experimental studies and prediction algorithms are not available or were not evaluated, and the functional significance of this variant is currently unknown. This variant has not been reported in the literature in individuals with TNNI3K-related conditions. This variant is a gross deletion of the genomic region encompassing exon(s) 6-17 of the TNNI3K gene. This deletion is out-of-frame, and is expected to create a premature translational stop signal and result in an absent or disrupted protein product. However, the current clinical and genetic evidence is not sufficient to establish whether loss-of-function variants in TNNI3K cause disease.

NC_000001.10:g.(?_74797114)_(74836096_?)del

Genes: FPGT-TNNI3K (FPGT-TNNI3K readthrough; plus strand), TNNI3K (TNNI3 interacting kinase; plus strand). Cytogenetic location: 1p31.1.
Variant type: Deletion.
Identifiers: ClinVar variation 1346962 (VCV001346962.6).